The following is an entry in ClinVar:

ClinVar aggregate classification (germline): Uncertain significance. Review status: criteria provided, multiple submitters, no conflicts (2 of 4 stars). 3 submissions from 3 submitters: Uncertain significance (3). Last evaluated 2022-05-14.

Conditions:
Inborn genetic diseases. Identifiers: MedGen C0950123, MeSH D030342.
Periventricular heterotopia with microcephaly, autosomal recessive (ARPHM). Also called: Periventricular heterotopia with microcephaly; PERIVENTRICULAR NODULAR HETEROTOPIA 2. Identifiers: Orphanet 2149, MedGen C1842563, MONDO:0011966, OMIM 608097.

Allele frequency attached by ClinVar (database versions not stated): ExAC 0.00002; gnomAD exomes 0.00002 and 0.00004; gnomAD 0.00003 and 0.00005; TOPMed 0.00005; ESP Exome Variant Server 0.00015.
gnomAD v4.1: 71 of 1,613,990 alleles (0.0044%); highest among the groups gnomAD compares: South Asian, 0.0088%; no homozygotes.

Submissions (3):

Ambry Genetics
Classification: Uncertain significance for Inborn genetic diseases. Last evaluated: 2022-05-14. Review status: criteria provided, single submitter. Criteria: Ambry Variant Classification Scheme 2023. Collection method: clinical testing. Allele origin: germline.

Genetic Services Laboratory, University of Chicago
Classification: Uncertain significance. Last evaluated: 2020-09-14. Review status: criteria provided, single submitter. Criteria: ACMG Guidelines, 2015. Collection method: clinical testing. Allele origin: germline. Affected: no.
Comment: DNA sequence analysis of the ARFGEF2 gene demonstrated a sequence change, c.3274C>T, in exon 25 that results in an amino acid change, p.Arg1092Cys. This sequence change does not appear to have been previously described in patients with ARFGEF2-related disorders and has been described in the gnomAD database in seven individuals with an overall population frequency of 0.003% (dbSNP rs144190029). The p.Arg1092Cys change affects a highly conserved amino acid residue located in a domain of the ARFGEF2 protein that is not known to be functional. The p.Arg1092Cys substitution appears to be deleterious using several in-silico pathogenicity prediction tools (SIFT, PolyPhen2, Align GVGD, REVEL). Due to these contrasting evidences and the lack of functional studies, the clinical significance of the p.Arg1092Cys change remains unknown at this time.

Illumina Laboratory Services, Illumina
Classification: Uncertain significance for Periventricular heterotopia with microcephaly, autosomal recessive. Last evaluated: 2017-04-27. Review status: criteria provided, single submitter. Criteria: ICSL Variant Classification Criteria 13 December 2019. Collection method: clinical testing. Allele origin: germline.

NM_006420.3(ARFGEF2):c.3274C>T (p.Arg1092Cys)

Gene: ARFGEF2 (ARF guanine nucleotide exchange factor 2; plus strand). Cytogenetic location: 20q13.13.
Variant type: single nucleotide variant.
Coding change: c.3274C>T on transcript NM_006420.3 (MANE Select); coding-DNA position 3274, C replaced by T.
Protein change: p.Arg1092Cys; replaces arginine 1092 with cysteine.
Molecular consequence: missense variant.
Genome position (GRCh38, 1-based): chr20:48,998,347, C>T. VCF-style: chr20-48998347-C-T. GRCh37 (hg19) VCF-style: chr20-47614884-C-T.
Other names: short protein forms R1092C.
Identifiers: ClinVar variation 895253 (VCV000895253.9), dbSNP rs144190029, ClinGen allele CA9898893.